The following is an entry in ClinVar:

NM_001148.6(ANK2):c.10310T>C (p.Ile3437Thr)

Gene: ANK2 (ankyrin 2; plus strand). Cytogenetic location: 4q26.
Variant type: single nucleotide variant.
Coding change: c.10310T>C on transcript NM_001148.6 (MANE Select); coding-DNA position 10310, T replaced by C.
Protein change: p.Ile3437Thr; replaces isoleucine 3437 with threonine.
Molecular consequence: missense variant. On other transcripts: intron variant (68).
Genome position (GRCh38, 1-based): chr4:113,358,928, T>C. VCF-style: chr4-113358928-T-C. GRCh37 (hg19) VCF-style: chr4-114280084-T-C.
Other names: c.10076T>C, p.Ile3359Thr (NM_001386142.1); c.6710T>C, p.Ile2237Thr (NM_001386166.1); c.10451T>C, p.Ile3484Thr (NM_001386174.1); c.10427T>C, p.Ile3476Thr (NM_001386175.1); c.4412-1895T>C (NM_001386186.2, NM_001386148.2); c.4214-1895T>C (NM_001354269.3); c.4292-1895T>C (NM_001386187.2); c.4253-1895T>C (NM_001386147.1); and 35 more; short protein forms I3437T, I2237T, I3359T, I3476T, I3484T.
Identifiers: ClinVar variation 264478 (VCV000264478.6), dbSNP rs886039169, ClinGen allele CA10587588.

ClinVar aggregate classification (germline): Uncertain significance. Review status: criteria provided, multiple submitters, no conflicts (2 of 4 stars). 2 submissions from 2 submitters: Uncertain significance (2). Last evaluated 2017-09-25.

Conditions:
Cardiovascular phenotype. Identifiers: MedGen CN230736.

Allele frequency attached by ClinVar (database versions not stated): gnomAD exomes below 0.00001.
gnomAD v4.1: 3 of 1,613,842 alleles (0.00019%); highest among the groups gnomAD compares: East Asian, 0.0045%; no homozygotes.

Submissions (2):

Women's Health and Genetics/Laboratory Corporation of America, LabCorp
Classification: Uncertain significance. Last evaluated: 2017-09-25. Review status: criteria provided, single submitter. Criteria: LabCorp Variant Classification Summary - May 2015. Collection method: clinical testing. Allele origin: germline.
Comment: Variant summary: The ANK2 c.10310T>C (p.Ile3437Thr) variant involves the alteration of a non-conserved nucleotide. 3/4 in silico tools predict a benign outcome for this variant (SNPsandGO not captured due to low reliability index). This variant is absent in 245586 control chromosomes. In addition, multiple clinical diagnostic laboratories/reputable databases classified this variant as uncertain significance. The variant of interest has not, to our knowledge, been reported in affected individuals via publications nor evaluated for functional impact by in vivo/vitro studies. Because of the absence of clinical information and the lack of functional studies, the variant is classified as a variant of uncertain significance (VUS).

Ambry Genetics
Classification: Uncertain significance for Cardiovascular phenotype. Last evaluated: 2015-11-01. Review status: criteria provided, single submitter. Criteria: Ambry Variant Classification Scheme 2023. Collection method: clinical testing. Allele origin: germline.
Comment: The p.I3437T variant (also known as c.10310T>C), located in coding exon 38 of the ANK2 gene, results from a T to C substitution at nucleotide position 10310. The isoleucine at codon 3437 is replaced by threonine, an amino acid with some similar properties. This variant was not reported in population based cohorts in the following databases: Database of Single Nucleotide Polymorphisms (dbSNP), NHLBI Exome Sequencing Project (ESP), and 1000 Genomes Project. In the ESP, this variant was not observed in 6502 samples (13004 alleles) with coverage at this position. This amino acid position is poorly conserved in available vertebrate species; and threonine is the reference amino acid in three species. In addition, this alteration is predicted to be tolerated by in silico analysis. Since supporting evidence is limited at this time, the clinical significance of this variant remains unclear.